The following is an entry in ClinVar:

ClinVar aggregate classification (germline): Uncertain significance (1 of 4 stars; one submission).

Submission:

Labcorp Genetics (formerly Invitae), Labcorp
Classification: Uncertain significance. Last evaluated: 2024-10-07. Review status: criteria provided, single submitter. Criteria: Invitae Variant Classification Sherloc (09022015). Collection method: clinical testing. Allele origin: germline.
Comment: This sequence change replaces alanine, which is neutral and non-polar, with glycine, which is neutral and non-polar, at codon 1047 of the FNIP1 protein (p.Ala1047Gly). This variant is not present in population databases (gnomAD no frequency). This variant has not been reported in the literature in individuals affected with FNIP1-related conditions. An algorithm developed to predict the effect of missense changes on protein structure and function (PolyPhen-2) suggests that this variant is likely to be disruptive. In summary, the available evidence is currently insufficient to determine the role of this variant in disease. Therefore, it has been classified as a Variant of Uncertain Significance.

NM_133372.3(FNIP1):c.3140C>G (p.Ala1047Gly)

Gene: FNIP1 (folliculin interacting protein 1; minus strand). Cytogenetic location: 5q31.1.
Variant type: single nucleotide variant.
Coding change: c.3140C>G on transcript NM_133372.3 (MANE Select); coding-DNA position 3140, C replaced by G.
Protein change: p.Ala1047Gly; replaces alanine 1047 with glycine.
Molecular consequence: missense variant.
Genome position (GRCh38, 1-based): chr5:131,651,968, G>C on the plus strand (C>G on the coding strand, the complement: FNIP1 is on the minus strand). VCF-style: chr5-131651968-G-C. GRCh37 (hg19) VCF-style: chr5-130987661-G-C.
Other names: c.3056C>G, p.Ala1019Gly (NM_001008738.3); c.3005C>G, p.Ala1002Gly (NM_001346114.2); short protein forms A1002G, A1019G, A1047G.
Identifiers: ClinVar variation 3694519 (VCV003694519.2).